The following is an entry in ClinVar:

NM_000426.4(LAMA2):c.4984G>A (p.Glu1662Lys)

Gene: LAMA2 (laminin subunit alpha 2; plus strand). Cytogenetic location: 6q22.33.
Variant type: single nucleotide variant.
Coding change: c.4984G>A on transcript NM_000426.4 (MANE Select); coding-DNA position 4984, G replaced by A.
Protein change: p.Glu1662Lys; replaces glutamic acid 1662 with lysine.
Molecular consequence: missense variant.
Genome position (GRCh38, 1-based): chr6:129,383,146, G>A. VCF-style: chr6-129383146-G-A. GRCh37 (hg19) VCF-style: chr6-129704291-G-A.
Other names: c.4984G>A, p.Glu1662Lys (NM_001079823.2); short protein forms E1662K.
Identifiers: ClinVar variation 3366058 (VCV003366058.1).

ClinVar aggregate classification (germline): Uncertain significance (1 of 4 stars; one submission).

gnomAD v4.1: 7 of 1,613,818 alleles (0.00043%); highest among the groups gnomAD compares: East Asian, 0.0022%; no homozygotes.

Submission:

GeneDx
Classification: Uncertain significance. Last evaluated: 2023-10-12. Review status: criteria provided, single submitter. Criteria: GeneDx Variant Classification Process June 2021. Collection method: clinical testing. Allele origin: germline. Affected: yes.
Comment: Observed as de novo variant with confirmed parentage in a patient with infantile spasms (Michaud et al., 2014); however, a de novo variant in another gene was also identified; Not observed at significant frequency in large population cohorts (gnomAD); In silico analysis supports that this missense variant does not alter protein structure/function; This variant is associated with the following publications: (PMID: 24781210)